The following is an entry in ClinVar:

ClinVar aggregate classification (germline): Likely pathogenic (1 of 4 stars; one submission).

Conditions:
Autosomal recessive polycystic kidney disease (ARPKD). Also called: AR polycystic kidney disease. Identifiers: Orphanet 731, Orphanet 8378, MedGen C0085548, MeSH D017044, MONDO:0009889.

Submission:

Natera, Inc.
Classification: Likely pathogenic for Autosomal recessive polycystic kidney disease. Last evaluated: 2024-08-12. Review status: criteria provided, single submitter. Criteria: Natera Variant Classification Schema (03/2026). Collection method: clinical testing. Allele origin: germline.
Comment: The c.9751_9752insTG variant in PKHD1 is a frameshift variant predicted to shift the reading frame beginning at codon 3251 and leads to a stop codon 14 codons downstream. This variant is expected to result in nonsense mediated decay, truncation, or a dysfunctional protein product. This variant is rare in the general population with a frequency below the threshold expected for the associated phenotype(s). Given the available evidence, this variant is classified as Likely Pathogenic.

NM_138694.4(PKHD1):c.9751_9752insTG (p.Glu3251fs)

Gene: PKHD1 (PKHD1 ciliary IPT domain containing fibrocystin/polyductin; minus strand). Cytogenetic location: 6p12.3.
Variant type: Insertion.
Coding change: c.9751_9752insTG on transcript NM_138694.4 (MANE Select); coding-DNA positions 9751 to 9752, TG inserted.
Protein change: p.Glu3251fs; shifts the reading frame from glutamic acid 3251.
Molecular consequence: frameshift variant.
Genome position: GRCh38 VCF-style: chr6-51747864-T-TCA. GRCh37 (hg19) VCF-style: chr6-51612662-T-TCA.
Other names: c.9751_9752insTG, p.Glu3251fs (NM_170724.3); short protein forms E3251fs.
Identifiers: ClinVar variation 4816805 (VCV004816805.1).